The following is an entry in ClinVar:

NM_006348.5(COG5):c.958C>A (p.Leu320Ile)

Gene: COG5 (component of oligomeric golgi complex 5; minus strand). Cytogenetic location: 7q22.3.
Variant type: single nucleotide variant.
Coding change: c.958C>A on transcript NM_006348.5 (MANE Select); coding-DNA position 958, C replaced by A.
Protein change: p.Leu320Ile; replaces leucine 320 with isoleucine.
Molecular consequence: missense variant. On other transcripts: intron variant (1).
Genome position (GRCh38, 1-based): chr7:107,362,101, G>T on the plus strand (C>A on the coding strand, the complement: COG5 is on the minus strand). VCF-style: chr7-107362101-G-T. GRCh37 (hg19) VCF-style: chr7-107002546-G-T.
Other names: c.958C>A, p.Leu320Ile (NM_001161520.2, NM_001379511.1, NM_001379512.1 and 3 more transcripts); c.244C>A, p.Leu82Ile (NM_001379516.1); c.539-63755C>A (NM_001379515.1); c.1051C>A (NM_006348.3); short protein forms L320I, L82I.
Identifiers: ClinVar variation 1488392 (VCV001488392.7), dbSNP rs2129046155, ClinGen allele CA368940002.
Genomic context (GRCh38, chr7:107,362,101, plus strand): 5'-TTTCTTCAATGAAACAAATGTGAGAAACAGGATCTCTCTTCTTGGCCAATACTTTTTGTA[G>T]ATGTTGTACCTTAAATGAAACAAATGTAAAGCTTAGGCAATAGAAAAAGCAAGAAAAGGG-3'
Protein context (NP_006339.4, residues 310-330): IYAVCGQVQH[Leu320Ile]QKVLAKKRDP

ClinVar aggregate classification (germline): Uncertain significance. Review status: criteria provided, multiple submitters, no conflicts (2 of 4 stars). 2 submissions from 2 submitters: Uncertain significance (2). Last evaluated 2025-08-26.

Conditions:
Inborn genetic diseases. Identifiers: MedGen C0950123, MeSH D030342.
COG5-congenital disorder of glycosylation. Also called: CONGENITAL DISORDER OF GLYCOSYLATION, TYPE IIi; CDG IIi; COG5-CDG. Identifiers: Orphanet 263487, MedGen C3150876, MONDO:0013325, OMIM 613612.

Submissions (2):

Ambry Genetics
Classification: Uncertain significance for Inborn genetic diseases. Last evaluated: 2025-08-26. Review status: criteria provided, single submitter. Criteria: Ambry Variant Classification Scheme 2023. Collection method: clinical testing. Allele origin: germline.

Labcorp Genetics (formerly Invitae), Labcorp
Classification: Uncertain significance for COG5-congenital disorder of glycosylation. Last evaluated: 2022-03-22. Review status: criteria provided, single submitter. Criteria: Invitae Variant Classification Sherloc (09022015). Collection method: clinical testing. Allele origin: germline.
Comment: In summary, the available evidence is currently insufficient to determine the role of this variant in disease. Therefore, it has been classified as a Variant of Uncertain Significance. Algorithms developed to predict the effect of missense changes on protein structure and function are either unavailable or do not agree on the potential impact of this missense change (SIFT: "Deleterious"; PolyPhen-2: "Probably Damaging"; Align-GVGD: "Class C0"). This variant has not been reported in the literature in individuals affected with COG5-related conditions. This variant is not present in population databases (gnomAD no frequency). This sequence change replaces leucine, which is neutral and non-polar, with isoleucine, which is neutral and non-polar, at codon 351 of the COG5 protein (p.Leu351Ile).